The following is an entry in ClinVar:

NM_004064.5(CDKN1B):c.147C>G (p.Cys49Trp)

Gene: CDKN1B (cyclin dependent kinase inhibitor 1B; plus strand). Cytogenetic location: 12p13.1.
Variant type: single nucleotide variant.
Coding change: c.147C>G on transcript NM_004064.5 (MANE Select); coding-DNA position 147, C replaced by G.
Protein change: p.Cys49Trp; replaces cysteine 49 with tryptophan.
Molecular consequence: missense variant.
Genome position (GRCh38, 1-based): chr12:12,717,986, C>G. VCF-style: chr12-12717986-C-G. GRCh37 (hg19) VCF-style: chr12-12870920-C-G.
Other names: c.147C>G (NM_004064.3); short protein forms C49W.
Identifiers: ClinVar variation 1365755 (VCV001365755.9), dbSNP rs747742623, ClinGen allele CA383968966.

ClinVar aggregate classification (germline): Uncertain significance. Review status: criteria provided, multiple submitters, no conflicts (2 of 4 stars). 2 submissions from 2 submitters: Uncertain significance (2). Last evaluated 2024-10-23.

Conditions:
Hereditary cancer-predisposing syndrome. Also called: Hereditary neoplastic syndrome; Hereditary Cancer Syndrome; Neoplastic Syndromes, Hereditary; Tumor predisposition. Identifiers: Orphanet 140162, MedGen C0027672, MeSH D009386, MONDO:0015356.
Multiple endocrine neoplasia type 4. Also called: MULTIPLE ENDOCRINE NEOPLASIA, TYPE IV. Identifiers: Orphanet 276152, MedGen C1970712, MONDO:0012552, OMIM 610755.

Submissions (2):

Labcorp Genetics (formerly Invitae), Labcorp
Classification: Uncertain significance for Multiple endocrine neoplasia type 4. Last evaluated: 2024-10-23. Review status: criteria provided, single submitter. Criteria: Invitae Variant Classification Sherloc (09022015). Collection method: clinical testing. Allele origin: germline.
Comment: This sequence change replaces cysteine, which is neutral and slightly polar, with tryptophan, which is neutral and slightly polar, at codon 49 of the CDKN1B protein (p.Cys49Trp). This variant is not present in population databases (gnomAD no frequency). This variant has not been reported in the literature in individuals affected with CDKN1B-related conditions. ClinVar contains an entry for this variant (Variation ID: 1365755). An algorithm developed to predict the effect of missense changes on protein structure and function (PolyPhen-2) suggests that this variant is likely to be disruptive. In summary, the available evidence is currently insufficient to determine the role of this variant in disease. Therefore, it has been classified as a Variant of Uncertain Significance.

Ambry Genetics
Classification: Uncertain significance for Hereditary cancer-predisposing syndrome. Last evaluated: 2023-09-13. Review status: criteria provided, single submitter. Criteria: Ambry Variant Classification Scheme 2023. Collection method: clinical testing. Allele origin: germline.
Comment: The p.C49W variant (also known as c.147C>G), located in coding exon 1 of the CDKN1B gene, results from a C to G substitution at nucleotide position 147. The cysteine at codon 49 is replaced by tryptophan, an amino acid with highly dissimilar properties. This amino acid position is conserved. In addition, the in silico prediction for this alteration is inconclusive. Since supporting evidence is limited at this time, the clinical significance of this alteration remains unclear.